The following is an entry in ClinVar:

ClinVar aggregate classification (germline): Uncertain significance (1 of 4 stars; one submission).

gnomAD v4.1: 1 of 1,602,004 alleles (0.000062%); highest among the groups gnomAD compares: Admixed American, 0.0017%; no homozygotes.

Submission:

Labcorp Genetics (formerly Invitae), Labcorp
Classification: Uncertain significance. Last evaluated: 2022-08-02. Review status: criteria provided, single submitter. Criteria: Invitae Variant Classification Sherloc (09022015). Collection method: clinical testing. Allele origin: germline.
Comment: In summary, the available evidence is currently insufficient to determine the role of this variant in disease. Therefore, it has been classified as a Variant of Uncertain Significance. Algorithms developed to predict the effect of missense changes on protein structure and function output the following: SIFT: "Tolerated"; PolyPhen-2: "Benign"; Align-GVGD: "Class C0". The glutamic acid amino acid residue is found in multiple mammalian species, which suggests that this missense change does not adversely affect protein function. This variant has not been reported in the literature in individuals affected with UBE3B-related conditions. This variant is present in population databases (no rsID available, gnomAD 0.003%). This sequence change replaces aspartic acid, which is acidic and polar, with glutamic acid, which is acidic and polar, at codon 52 of the UBE3B protein (p.Asp52Glu).

NM_130466.4(UBE3B):c.156T>G (p.Asp52Glu)

Gene: UBE3B (ubiquitin protein ligase E3B; plus strand). Cytogenetic location: 12q24.11.
Variant type: single nucleotide variant.
Coding change: c.156T>G on transcript NM_130466.4 (MANE Select); coding-DNA position 156, T replaced by G.
Protein change: p.Asp52Glu; replaces aspartic acid 52 with glutamic acid.
Molecular consequence: missense variant.
Genome position (GRCh38, 1-based): chr12:109,483,707, T>G. VCF-style: chr12-109483707-T-G. GRCh37 (hg19) VCF-style: chr12-109921512-T-G.
Other names: c.156T>G, p.Asp52Glu (NM_001270449.2, NM_001270450.2, NM_001270451.2 and 1 more transcripts); short protein forms D52E.
Identifiers: ClinVar variation 1929979 (VCV001929979.5), dbSNP rs1246626895, ClinGen allele CA386629104.